The following is an entry in ClinVar:

ClinVar aggregate classification (germline): Uncertain significance (1 of 4 stars; one submission).

Submission:

Ambry Genetics
Classification: Uncertain significance. Last evaluated: 2026-06-24. Review status: criteria provided, single submitter. Criteria: Ambry Variant Classification Scheme 2023. Collection method: clinical testing. Allele origin: germline.
Comment: The p.L169V variant (also known as c.505C>G), located in coding exon 5 of the SRP72 gene, results from a C to G substitution at nucleotide position 505. The leucine at codon 169 is replaced by valine, an amino acid with highly similar properties. This amino acid position is conserved. In addition, this alteration is predicted to be tolerated by in silico analysis. Based on the available evidence, the clinical significance of this variant remains unclear.

NM_006947.4(SRP72):c.505C>G (p.Leu169Val)

Gene: SRP72 (signal recognition particle 72; plus strand). Cytogenetic location: 4q12.
Variant type: single nucleotide variant.
Coding change: c.505C>G on transcript NM_006947.4 (MANE Select); coding-DNA position 505, C replaced by G.
Protein change: p.Leu169Val; replaces leucine 169 with valine.
Molecular consequence: missense variant. On other transcripts: non-coding transcript variant (1).
Genome position (GRCh38, 1-based): chr4:56,474,286, C>G. VCF-style: chr4-56474286-C-G. GRCh37 (hg19) VCF-style: chr4-57340452-C-G.
Other names: c.505C>G, p.Leu169Val (NM_001267722.2); short protein forms L169V.
Identifiers: ClinVar variation 5030217 (VCV005030217.1).